The following is an entry in ClinVar:

ClinVar aggregate classification (germline): Benign. Review status: criteria provided, multiple submitters, no conflicts (2 of 4 stars). 4 submissions from 4 submitters: Benign (4). Last evaluated 2025-12-19.

Conditions:
Rafiq syndrome (RAFQS). Identifiers: Orphanet 88616, MedGen C3280127, MONDO:0013624, OMIM 614202.
Inborn genetic diseases. Identifiers: MedGen C0950123, MeSH D030342.

Allele frequency attached by ClinVar (database versions not stated): ESP Exome Variant Server 0.00431; gnomAD exomes 0.00031 and 0.00085; ExAC 0.00107; gnomAD 0.00307 and 0.00330; 1000 Genomes Project 0.00339; 1000 Genomes Project 30x 0.00359; TOPMed 0.00366.
gnomAD v4.1: 938 of 1,613,894 alleles (0.058%); highest among the groups gnomAD compares: African/African-American, 1.1%; 4 homozygotes.

Submissions (4):

Labcorp Genetics (formerly Invitae), Labcorp
Classification: Benign for Rafiq syndrome. Last evaluated: 2025-12-19. Review status: criteria provided, single submitter. Criteria: Invitae Variant Classification Sherloc (09022015). Collection method: clinical testing. Allele origin: germline.

CeGaT Center for Human Genetics Tuebingen
Classification: Benign. Last evaluated: 2022-12-01. Review status: criteria provided, single submitter. Criteria: CeGaT Center For Human Genetics Tuebingen Variant Classification Criteria Version 2. Collection method: clinical testing. Allele origin: germline. Affected: yes. Observed: 1 variant allele.
Comment: MAN1B1: BS1, BS2

Illumina Laboratory Services, Illumina
Classification: Benign for Rafiq syndrome. Last evaluated: 2018-01-13. Review status: criteria provided, single submitter. Criteria: ICSL Variant Classification Criteria 13 December 2019. Collection method: clinical testing. Allele origin: germline.
Comment: This variant was observed in the ICSL laboratory as part of a predisposition screen in an ostensibly healthy population. It had not been previously curated by ICSL or reported in the Human Gene Mutation Database (HGMD: prior to June 1st, 2018), and was therefore a candidate for classification through an automated scoring system. Utilizing variant allele frequency, disease prevalence and penetrance estimates, and inheritance mode, an automated score was calculated to assess if this variant is too frequent to cause the disease. Based on the score and internal cut-off values, a variant classified as benign is not then subjected to further curation. The score for this variant resulted in a classification of benign for this disease.

Ambry Genetics
Classification: Benign for Inborn genetic diseases. Last evaluated: 2016-12-16. Review status: criteria provided, single submitter. Criteria: Ambry Variant Classification Scheme 2023. Collection method: clinical testing. Allele origin: germline.

NM_016219.5(MAN1B1):c.1956T>C (p.Pro652=)

Gene: MAN1B1 (mannosidase alpha class 1B member 1; plus strand). Cytogenetic location: 9q34.3.
Variant type: single nucleotide variant.
Coding change: c.1956T>C on transcript NM_016219.5 (MANE Select); coding-DNA position 1956, T replaced by C.
Protein change: p.Pro652=; no amino-acid change (proline 652 retained).
Molecular consequence: synonymous variant. On other transcripts: non-coding transcript variant (2).
Genome position (GRCh38, 1-based): chr9:137,108,447, T>C. VCF-style: chr9-137108447-T-C. GRCh37 (hg19) VCF-style: chr9-140002899-T-C.
Identifiers: ClinVar variation 365976 (VCV000365976.43), dbSNP rs75234317, ClinGen allele CA5359529.